The following is an entry in ClinVar:

ClinVar aggregate classification (germline): Uncertain significance (1 of 4 stars; one submission).

Submission:

Laboratory for Molecular Medicine, Mass General Brigham Personalized Medicine
Classification: Uncertain significance. Last evaluated: 2016-03-28. Review status: criteria provided, single submitter. Criteria: LMM Criteria. Collection method: clinical testing. Allele origin: germline.
Comment: Variant identified in a genome or exome case(s) and assessed due to predicted null impact of the variant or pathogenic assertions in the literature or databases. Disclaimer: This variant has not undergone full assessment. The following are preliminary notes: LOF not known disease mechanism for this gene; Poor coverage in ExAC

NM_001018005.2(TPM1):c.240+4426G>T

Genes: TPM1 (tropomyosin 1; plus strand), TPM1-AS (TPM1 antisense RNA; minus strand), LOC130057222 (ATAC-STARR-seq lymphoblastoid silent region 6507; plus strand). Cytogenetic location: 15q22.2.
Variant type: single nucleotide variant.
Coding change: c.240+4426G>T on transcript NM_001018005.2 (MANE Select); 4426 bases into the intron after coding-DNA position 240, G replaced by T.
Molecular consequence: intron variant. On other transcripts: non-coding transcript variant (1), missense variant (8), initiator codon variant (8).
Genome position (GRCh38, 1-based): chr15:63,048,578, G>T. VCF-style: chr15-63048578-G-T. GRCh37 (hg19) VCF-style: chr15-63340777-G-T.
Other names: c.240+4426G>T (NM_001018004.2, NM_001018006.2, NM_001365776.1 and 3 more transcripts); c.240+4747G>T (NM_001301244.2, NM_001018007.2, NM_001018020.2); c.3G>T, p.Met1Ile (NM_001018008.2, NM_001301289.2, NM_001330344.2 and 5 more transcripts); c.366+4426G>T (NM_001365778.1); short protein forms M1I.
Identifiers: ClinVar variation 403559 (VCV000403559.5), dbSNP rs1060499913, ClinGen allele CA16609764.
Genomic context (GRCh38, chr15:63,048,578, plus strand): 5'-CAGGGCAGCAGCCGGCCTCTCCCACTGCAGCCCTCCCGCCCGCCTACCGTCCGGCGCGAT[G>T]GCGGGGAGTAGCTCGCTGGAGGCGGTGCGCAGGAAGATCCGGAGCCTGCAGGAGCAGGCG-3'